The following is an entry in ClinVar:

ClinVar aggregate classification (germline): Pathogenic. Review status: criteria provided, multiple submitters, no conflicts (2 of 4 stars). 2 submissions from 2 submitters: Pathogenic (2). Last evaluated 2026-04-02.

Conditions:
Fabry disease. Also called: ALPHA-GALACTOSIDASE A DEFICIENCY; ANDERSON-FABRY DISEASE; CERAMIDE TRIHEXOSIDASE DEFICIENCY; GLA DEFICIENCY; HEREDITARY DYSTOPIC LIPIDOSIS; Angiokeratoma corporis diffusum. Identifiers: Orphanet 324, MedGen C0002986, MONDO:0010526, OMIM 301500, HP:0001071. Disease mechanism: Fabry disease is due to inactivating mutations in the X-linked GLA gene resulting in deficiency of the enzyme Alpha Galactosidase-A., loss of function.
Cardiovascular phenotype. Identifiers: MedGen CN230736.

Submissions (2):

Molecular Diagnostic Laboratory for Inherited Cardiovascular Disease, Montreal Heart Institute
Classification: Pathogenic for Cardiovascular phenotype. Last evaluated: 2026-04-02. Review status: criteria provided, single submitter. Criteria: ACMG Guidelines, 2015. Collection method: clinical testing. Allele origin: germline. Affected: yes.
Comment: PVS1, PM2, PP4

Genomenon, Inc
Classification: Pathogenic for Fabry disease. Last evaluated: 2025-09-15. Review status: criteria provided, single submitter. Criteria: Genomenon Sequence Variant Interpretation Standards. Collection method: curation. Allele origin: germline. Affected: yes.
Comment: GLA p.Tyr207LysfsTer33 (c.618_621delinsAAA) is a frameshift variant that results in the production of a truncated protein which is predicted to undergo nonsense-mediated mRNA decay. This variant has been observed in at least one proband affected with Fabry disease (PMID: 12175777). It is absent or not present at a significant frequency in gnomAD. In conclusion, we classify p.Tyr207LysfsTer33 (c.618_621delinsAAA) as a pathogenic variant.

Literature cited by the submitters: PubMed 12175777 (cited by Genomenon, Inc).

NM_000169.3(GLA):c.618_621delinsAAA (p.Tyr207fs)

Genes: GLA (galactosidase alpha; minus strand), RPL36A-HNRNPH2 (RPL36A-HNRNPH2 readthrough; plus strand). Cytogenetic location: Xq22.1.
Variant type: Indel.
Coding change: c.618_621delinsAAA on transcript NM_000169.3 (MANE Select); coding-DNA positions 618 to 621, TTAT replaced by AAA.
Protein change: p.Tyr207fs; shifts the reading frame from tyrosine 207.
Molecular consequence: frameshift variant. On other transcripts: non-coding transcript variant (2), intron variant (2).
Genome position (GRCh38, 1-based): chrX:101,400,684-101,400,687, ATAA replaced by TTT on the plus strand (TTAT replaced by AAA on the coding strand, the reverse complement: GLA is on the minus strand). VCF-style: chrX-101400684-ATAA-TTT. GRCh37 (hg19) VCF-style: chrX-100655672-ATAA-TTT.
Other names: c.741_744delinsAAA, p.Tyr248fs (NM_001406747.1); c.618_621delinsAAA, p.Tyr207fs (NM_001406748.1); c.300+5227_300+5230delinsTTT (NM_001199973.2); c.177+8862_177+8865delinsTTT (NM_001199974.2); c.618_621delinsAAA (NM_000169.2); short protein forms Y207fs, Y248fs.
Identifiers: ClinVar variation 4086984 (VCV004086984.2).